The following is an entry in ClinVar:

NM_001243156.2(TAF1C):c.1825G>A (p.Gly609Ser)

Gene: TAF1C (TATA-box binding protein associated factor, RNA polymerase I subunit C; minus strand). Cytogenetic location: 16q24.1.
Variant type: single nucleotide variant.
Coding change: c.1825G>A on transcript NM_001243156.2 (MANE Select); coding-DNA position 1825, G replaced by A.
Protein change: p.Gly609Ser; replaces glycine 609 with serine.
Molecular consequence: missense variant.
Genome position (GRCh38, 1-based): chr16:84,179,648, C>T on the plus strand (G>A on the coding strand, the complement: TAF1C is on the minus strand). VCF-style: chr16-84179648-C-T. GRCh37 (hg19) VCF-style: chr16-84213254-C-T.
Other names: c.907G>A, p.Gly303Ser (NM_001243157.2, NM_001243158.2); c.676G>A, p.Gly226Ser (NM_001243159.2); c.472G>A, p.Gly158Ser (NM_001243160.2); c.1903G>A, p.Gly635Ser (NM_005679.4); c.1621G>A, p.Gly541Ser (NM_139353.3); short protein forms G158S, G226S, G303S, G541S, G609S, G635S.
Identifiers: ClinVar variation 2646912 (VCV002646912.24), dbSNP rs4150173, ClinGen allele CA8203474.

ClinVar aggregate classification (germline): Likely benign (1 of 4 stars; one submission).

Allele frequency attached by ClinVar (database versions not stated): 1000 Genomes Project 0.00280; 1000 Genomes Project 30x 0.00281; gnomAD 0.00543; ExAC 0.00557; TOPMed 0.00585; ESP Exome Variant Server 0.00632.
gnomAD v4.1: 12,926 of 1,612,502 alleles (0.8%); highest among the groups gnomAD compares: Non-Finnish European, 1%; 81 homozygotes.

Submission:

CeGaT Center for Human Genetics Tuebingen
Classification: Likely benign. Last evaluated: 2023-02-01. Review status: criteria provided, single submitter. Criteria: CeGaT Center For Human Genetics Tuebingen Variant Classification Criteria Version 2. Collection method: clinical testing. Allele origin: germline. Affected: yes. Observed: 3 variant alleles.
Comment: TAF1C: BP4, BS2